The following is an entry in ClinVar:

NM_001851.6(COL9A1):c.795C>G (p.Thr265=)

Gene: COL9A1 (collagen type IX alpha 1 chain; minus strand). Cytogenetic location: 6q13.
Variant type: single nucleotide variant.
Coding change: c.795C>G on transcript NM_001851.6 (MANE Select); coding-DNA position 795, C replaced by G.
Protein change: p.Thr265=; no amino-acid change (threonine 265 retained).
Molecular consequence: synonymous variant. On other transcripts: intron variant (3).
Genome position (GRCh38, 1-based): chr6:70,282,904, G>C on the plus strand (C>G on the coding strand, the complement: COL9A1 is on the minus strand). VCF-style: chr6-70282904-G-C. GRCh37 (hg19) VCF-style: chr6-70992607-G-C.
Other names: c.795C>G, p.Thr265= (NM_001377291.1); c.72+77C>G (NM_001377290.1, NM_078485.4, NM_001377289.1).
Identifiers: ClinVar variation 517703 (VCV000517703.20), dbSNP rs149067801, ClinGen allele CA3882682.

ClinVar aggregate classification (germline): Likely benign. Review status: criteria provided, multiple submitters, no conflicts (2 of 4 stars). 8 submissions from 8 submitters: Likely benign (4). 4 of the submissions do not count toward it. Last evaluated 2026-06-01.

Conditions:
COL9A1-related disorder. Also called: COL9A1-related condition; COL9A1-related disorders.

Allele frequency attached by ClinVar (database versions not stated): TOPMed 0.00017; gnomAD 0.00018 and 0.00019; gnomAD exomes 0.00023 and 0.00027; ExAC 0.00027; ESP Exome Variant Server 0.00031.
gnomAD v4.1: 418 of 1,614,072 alleles (0.026%); highest among the groups gnomAD compares: Non-Finnish European, 0.034%; no homozygotes.

Submissions (8):

CeGaT Center for Human Genetics Tuebingen
Classification: Likely benign. Last evaluated: 2026-06-01. Review status: criteria provided, single submitter. Criteria: CeGaT Center For Human Genetics Tuebingen Variant Classification Criteria Version 2. Collection method: clinical testing. Allele origin: germline. Affected: yes. Observed: 1 variant allele.
Comment: COL9A1: BP4, BP7

Labcorp Genetics (formerly Invitae), Labcorp
Classification: Likely benign. Last evaluated: 2026-01-24. Review status: criteria provided, single submitter. Criteria: Invitae Variant Classification Sherloc (09022015). Collection method: clinical testing. Allele origin: germline.

Blueprint Genetics
Classification: Likely benign. Last evaluated: 2024-10-25. Review status: criteria provided, single submitter. Criteria: ACMG Guidelines, 2015. Collection method: clinical testing. Allele origin: germline.

GeneDx
Classification: Likely benign. Last evaluated: 2021-01-29. Review status: criteria provided, single submitter. Criteria: GeneDx Variant Classification Process June 2021. Collection method: clinical testing. Allele origin: germline. Affected: yes.

PreventionGenetics, part of Exact Sciences
Classification: Likely benign for COL9A1-related condition. Last evaluated: 2019-04-16. Review status: no assertion criteria provided. Collection method: clinical testing. Allele origin: germline. Not counted in ClinVar's aggregate classification.
Comment: This variant is classified as likely benign based on ACMG/AMP sequence variant interpretation guidelines (Richards et al. 2015 PMID: 25741868, with internal and published modifications).

Clinical Genetics DNA and cytogenetics Diagnostics Lab, Erasmus MC, Erasmus Medical Center
Classification: Likely benign. Review status: no assertion criteria provided. Collection method: clinical testing. Allele origin: germline. Affected: yes. Study: VKGL Data-share Consensus. Not counted in ClinVar's aggregate classification.

Clinical Genetics, Academic Medical Center
Classification: Benign. Review status: no assertion criteria provided. Collection method: clinical testing. Allele origin: germline. Affected: yes. Study: VKGL Data-share Consensus. Not counted in ClinVar's aggregate classification.

Genome Diagnostics Laboratory, Amsterdam University Medical Center
Classification: Likely benign. Review status: no assertion criteria provided. Collection method: clinical testing. Allele origin: germline. Affected: yes. Study: VKGL Data-share Consensus. Not counted in ClinVar's aggregate classification.